The following is an entry in ClinVar:

ClinVar aggregate classification (germline): Pathogenic (1 of 4 stars; one submission).

Conditions:
Polycystic kidney disease, adult type (PKD1). Also called: Polycystic Kidney, Autosomal Dominant; POLYCYSTIC KIDNEY DISEASE, ADULT, TYPE I; Polycystic Kidney Disease 1, Autosomal Dominant; Polycystic kidney disease 1; Polycystic kidney disease 1, severe; POLYCYSTIC KIDNEY DISEASE 1 WITH OR WITHOUT POLYCYSTIC LIVER DISEASE. Identifiers: MedGen C3149841, MONDO:0008263, OMIM 173900.

Submission:

Juno Genomics, Hangzhou Juno Genomics, Inc
Classification: Pathogenic for Polycystic kidney disease, adult type. Review status: criteria provided, single submitter. Criteria: ACMG Guidelines, 2015. Collection method: clinical testing. Allele origin: germline. Affected: yes.
Comment: Absent from controls (or at extremely low frequency if recessive) in Genome Aggregation Database, Exome Sequencing Project, 1000 Genomes Project, or Exome Aggregation Consortium.;Null variant in a gene where loss of function (LOF) is a known mechanism of disease.;Patient's phenotype or family history is highly specific for a disease with a single genetic etiology.

NM_001009944.3(PKD1):c.11084del (p.His3695fs)

Genes: PKD1 (polycystin 1, transient receptor potential channel interacting; minus strand), PKD1-AS1 (PKD1 antisense RNA 1; plus strand). Cytogenetic location: 16p13.3.
Variant type: Deletion.
Coding change: c.11084del on transcript NM_001009944.3 (MANE Select); coding-DNA position 11084, one base deleted (A; older notation c.11084delA).
Protein change: p.His3695fs; shifts the reading frame from histidine 3695.
Molecular consequence: frameshift variant.
Genome position (GRCh38, 1-based): chr16:2,093,026, T deleted on the plus strand (A on the coding strand, the reverse complement: PKD1 is on the minus strand). VCF-style (leftmost placement, unchanged base first): chr16-2093025-AT-A. GRCh37 (hg19) VCF-style: chr16-2143026-AT-A.
Other names: c.11081del, p.His3694fs (NM_000296.4); short protein forms H3694fs, H3695fs.
Identifiers: ClinVar variation 4796624 (VCV004796624.1).
Genomic context (GRCh38, chr16:2,093,025, plus strand): 5'-CAGGAAGGCCCGGCTGTGCAGCTCCTGCTTGATGGCGCTTTGCAGACGGTAGGCGTGCCC[AT>A]GGCATGAGGCATCCCCATAGCTGGCCAGCAGGGTCACCAGCAGAAAAAGCATGTACACCA-3'